The following is an entry in ClinVar:

NM_000059.4(BRCA2):c.3494A>G (p.His1165Arg)

Gene: BRCA2 (BRCA2 DNA repair associated; plus strand). Cytogenetic location: 13q13.1.
Variant type: single nucleotide variant.
Coding change: c.3494A>G on transcript NM_000059.4 (MANE Select); coding-DNA position 3494, A replaced by G.
Protein change: p.His1165Arg; replaces histidine 1165 with arginine.
Molecular consequence: missense variant.
Genome position (GRCh38, 1-based): chr13:32,337,849, A>G. VCF-style: chr13-32337849-A-G. GRCh37 (hg19) VCF-style: chr13-32911986-A-G.
Other names: short protein forms H1165R.
Identifiers: ClinVar variation 142054 (VCV000142054.29), dbSNP rs587782201, ClinGen allele CA018167.

ClinVar aggregate classification (germline): Conflicting classifications of pathogenicity. Review status: criteria provided, conflicting classifications (1 of 4 stars). 9 submissions from 9 submitters: Uncertain significance (6); Likely benign (2). 1 of the submissions does not count toward it. Last evaluated 2025-11-17.

Conditions:
Hereditary cancer-predisposing syndrome. Also called: Neoplastic Syndromes, Hereditary; Hereditary Cancer Syndrome; Hereditary neoplastic syndrome; Tumor predisposition. Identifiers: Orphanet 140162, MedGen C0027672, MeSH D009386, MONDO:0015356.
Hereditary breast ovarian cancer syndrome. Also called: Hereditary breast and ovarian cancer syndrome; Hereditary breast and/or ovarian cancer syndrome; BRCA1- and BRCA2-Associated Hereditary Breast and Ovarian Cancer; Hereditary breast and ovarian cancer; Breast and ovarian cancer; Hereditary breast and ovarian cancer syndrome (HBOC). Identifiers: Orphanet 145, MedGen C0677776, MeSH D061325, MONDO:0003582. Disease mechanism: loss of function.
Breast-ovarian cancer, familial, susceptibility to, 2 (BROVCA2). Also called: BRCA2 Hereditary Breast and Ovarian Cancer. Identifiers: Orphanet 145, MedGen C2675520, MONDO:0012933, OMIM 612555. Disease mechanism: loss of function.

Allele frequency attached by ClinVar (database versions not stated): ExAC 0.00001; gnomAD exomes 0.00001; TOPMed 0.00001; gnomAD 0.00002.
gnomAD v4.1: 18 of 1,613,974 alleles (0.0011%); highest among the groups gnomAD compares: Admixed American, 0.0017%; no homozygotes.

Submissions (9):

Labcorp Genetics (formerly Invitae), Labcorp
Classification: Uncertain significance for Hereditary breast ovarian cancer syndrome. Last evaluated: 2025-11-17. Review status: criteria provided, single submitter. Criteria: Invitae Variant Classification Sherloc (09022015). Collection method: clinical testing. Allele origin: germline.
Comment: This sequence change replaces histidine, which is basic and polar, with arginine, which is basic and polar, at codon 1165 of the BRCA2 protein (p.His1165Arg). This variant is present in population databases (rs587782201, gnomAD 0.004%). This variant has not been reported in the literature in individuals affected with BRCA2-related conditions. ClinVar contains an entry for this variant (Variation ID: 142054). Invitae Evidence Modeling of protein sequence and biophysical properties (such as structural, functional, and spatial information, amino acid conservation, physicochemical variation, residue mobility, and thermodynamic stability) indicates that this missense variant is not expected to disrupt BRCA2 protein function with a negative predictive value of 95%. In summary, the available evidence is currently insufficient to determine the role of this variant in disease. Therefore, it has been classified as a Variant of Uncertain Significance.

GeneDx
Classification: Uncertain significance. Last evaluated: 2024-04-17. Review status: criteria provided, single submitter. Criteria: GeneDx Variant Classification Process June 2021. Collection method: clinical testing. Allele origin: germline. Affected: yes.
Comment: Not observed at significant frequency in large population cohorts (gnomAD); In silico analysis supports that this missense variant has a deleterious effect on protein structure/function; Has not been previously published as pathogenic or benign to our knowledge; Also known as 3722A>G; This variant is associated with the following publications: (PMID: 29884841, 31911673, 32377563)

Color Diagnostics, LLC DBA Color Health
Classification: Uncertain significance for Hereditary cancer-predisposing syndrome. Last evaluated: 2023-11-20. Review status: criteria provided, single submitter. Criteria: ACMG Guidelines, 2015. Collection method: clinical testing. Allele origin: germline.
Comment: This missense variant replaces histidine with arginine at codon 1165 of the BRCA2 protein. Computational prediction suggests that this variant may not impact protein structure and function (internally defined REVEL score threshold <= 0.5, PMID: 27666373). To our knowledge, functional studies have not been reported for this variant. This variant has not been reported in individuals affected with BRCA2-related disorders in the literature. This variant has been identified in 5/282292 chromosomes in the general population by the Genome Aggregation Database (gnomAD). The available evidence is insufficient to determine the role of this variant in disease conclusively. Therefore, this variant is classified as a Variant of Uncertain Significance.

All of Us Research Program, National Institutes of Health
Classification: Uncertain significance for Breast-ovarian cancer, familial, susceptibility to, 2. Last evaluated: 2023-08-15. Review status: criteria provided, single submitter. Criteria: ACMG Guidelines, 2015. Collection method: clinical testing. Allele origin: germline. Inheritance: Autosomal dominant inheritance. Observed: 4 variant alleles, 4 heterozygotes.
Comment: This missense variant replaces histidine with arginine at codon 1165 of the BRCA2 protein. Computational prediction suggests that this variant may not impact protein structure and function (internally defined REVEL score threshold <= 0.5, PMID: 27666373). To our knowledge, functional studies have not been reported for this variant. This variant has not been reported in individuals affected with hereditary cancer in the literature. This variant has been identified in 5/282292 chromosomes in the general population by the Genome Aggregation Database (gnomAD). The available evidence is insufficient to determine the role of this variant in disease conclusively. Therefore, this variant is classified as a Variant of Uncertain Significance.

This study involves interpretation of variants in research participants for the purpose of population health screening. Participant phenotype was not available at the time of variant classification. Additional details can be found in publication PMID: 35346344, PMCID: PMC8962531

University of Washington Department of Laboratory Medicine, University of Washington
Classification: Likely benign for Hereditary cancer-predisposing syndrome. Last evaluated: 2023-03-23. Review status: criteria provided, single submitter. Criteria: Dines et al. (Genet Med. 2020). Collection method: curation. Allele origin: germline.
Comment: Missense variant in a coldspot region where missense variants are very unlikely to be pathogenic (PMID:31911673).

BRCA2 exon 11 coldspot. Reclassification based on statistical prior probability.

Quest Diagnostics Nichols Institute San Juan Capistrano
Classification: Uncertain significance. Last evaluated: 2020-07-25. Review status: criteria provided, single submitter. Criteria: Quest Diagnostics criteria. Collection method: clinical testing. Allele origin: unknown.

Women's Health and Genetics/Laboratory Corporation of America, LabCorp
Classification: Uncertain significance. Last evaluated: 2018-03-30. Review status: criteria provided, single submitter. Criteria: LabCorp Variant Classification Summary - May 2015. Collection method: clinical testing. Allele origin: germline.
Comment: Variant summary: BRCA2 c.3494A>G (p.His1165Arg) results in a non-conservative amino acid change in the encoded protein sequence. Three of five in-silico tools predict a benign effect of the variant on protein function. The variant allele was found at a frequency of 1.8e-05 in 276588 control chromosomes. This frequency is not higher than expected for a pathogenic variant in BRCA2 causing Hereditary Breast and Ovarian Cancer (1.8e-05 vs 0.00075), allowing no conclusion about variant significance. To our knowledge, no occurrence of c.3494A>G in individuals affected with Hereditary Breast and Ovarian Cancer and no experimental evidence demonstrating its impact on protein function have been reported. Multiple ClinVar submissions from clinical diagnostic laboratories (evaluation after 2014) cite the variant as "uncertain significance." Based on the evidence outlined above, the variant was classified as uncertain significance.

Ambry Genetics
Classification: Likely benign for Hereditary cancer-predisposing syndrome. Last evaluated: 2017-08-30. Review status: criteria provided, single submitter. Criteria: Ambry Variant Classification Scheme 2023. Collection method: clinical testing. Allele origin: germline.

Counsyl
Classification: Uncertain significance for Breast-ovarian cancer, familial, susceptibility to, 2. Last evaluated: 2016-07-11. Review status: no assertion criteria provided. Collection method: clinical testing. Allele origin: unknown. Not counted in ClinVar's aggregate classification.